The following is an entry in ClinVar:

NM_000426.4(LAMA2):c.2777T>C (p.Phe926Ser)

Gene: LAMA2 (laminin subunit alpha 2; plus strand). Cytogenetic location: 6q22.33.
Variant type: single nucleotide variant.
Coding change: c.2777T>C on transcript NM_000426.4 (MANE Select); coding-DNA position 2777, T replaced by C.
Protein change: p.Phe926Ser; replaces phenylalanine 926 with serine.
Molecular consequence: missense variant.
Genome position (GRCh38, 1-based): chr6:129,291,641, T>C. VCF-style: chr6-129291641-T-C. GRCh37 (hg19) VCF-style: chr6-129612786-T-C.
Other names: c.2777T>C, p.Phe926Ser (NM_001079823.2); short protein forms F926S.
Identifiers: ClinVar variation 859257 (VCV000859257.16), dbSNP rs1789709370, ClinGen allele CA365610712.

ClinVar aggregate classification (germline): Uncertain significance. Review status: criteria provided, multiple submitters, no conflicts (2 of 4 stars). 2 submissions from 2 submitters: Uncertain significance (2). Last evaluated 2022-11-01.

Conditions:
LAMA2-related muscular dystrophy (LAMA2-RD). Also called: Laminin alpha 2-related dystrophy. Identifiers: MedGen C5679788, MONDO:0100228.

Allele frequency attached by ClinVar (database versions not stated): TOPMed below 0.00001; gnomAD 0.00001.
gnomAD v4.1: 1 of 1,614,002 alleles (0.000062%); highest among the groups gnomAD compares: African/African-American, 0.0013%; no homozygotes.

Submissions (2):

Labcorp Genetics (formerly Invitae), Labcorp
Classification: Uncertain significance for LAMA2-related muscular dystrophy. Last evaluated: 2022-11-01. Review status: criteria provided, single submitter. Criteria: Invitae Variant Classification Sherloc (09022015). Collection method: clinical testing. Allele origin: germline.
Comment: ClinVar contains an entry for this variant (Variation ID: 859257). Advanced modeling of protein sequence and biophysical properties (such as structural, functional, and spatial information, amino acid conservation, physicochemical variation, residue mobility, and thermodynamic stability) performed at Invitae indicates that this missense variant is not expected to disrupt LAMA2 protein function. In summary, the available evidence is currently insufficient to determine the role of this variant in disease. Therefore, it has been classified as a Variant of Uncertain Significance. This variant has not been reported in the literature in individuals affected with LAMA2-related conditions. This variant is not present in population databases (gnomAD no frequency). This sequence change replaces phenylalanine, which is neutral and non-polar, with serine, which is neutral and polar, at codon 926 of the LAMA2 protein (p.Phe926Ser).

Mayo Clinic Laboratories, Mayo Clinic
Classification: Uncertain significance. Last evaluated: 2020-07-14. Review status: criteria provided, single submitter. Criteria: ACMG Guidelines, 2015. Collection method: clinical testing. Allele origin: germline. Observed: 1 variant allele.